The following is an entry in ClinVar:

NM_001127671.2(LIFR):c.3217A>G (p.Lys1073Glu)

Gene: LIFR (LIF receptor subunit alpha; minus strand). Cytogenetic location: 5p13.1.
Variant type: single nucleotide variant.
Coding change: c.3217A>G on transcript NM_001127671.2 (MANE Select); coding-DNA position 3217, A replaced by G.
Protein change: p.Lys1073Glu; replaces lysine 1073 with glutamic acid.
Molecular consequence: missense variant.
Genome position (GRCh38, 1-based): chr5:38,481,672, T>C on the plus strand (A>G on the coding strand, the complement: LIFR is on the minus strand). VCF-style: chr5-38481672-T-C. GRCh37 (hg19) VCF-style: chr5-38481774-T-C.
Other names: c.3217A>G, p.Lys1073Glu (NM_001364297.2, NM_002310.6); c.3184A>G, p.Lys1062Glu (NM_001364298.2); c.3217A>G (NM_002310.5); short protein forms K1073E, K1062E.
Identifiers: ClinVar variation 2138948 (VCV002138948.3), dbSNP rs768761408, ClinGen allele CA3242486.

ClinVar aggregate classification (germline): Uncertain significance. Review status: criteria provided, multiple submitters, no conflicts (2 of 4 stars). 2 submissions from 2 submitters: Uncertain significance (2). Last evaluated 2023-02-15.

Conditions:
Inborn genetic diseases. Identifiers: MedGen C0950123, MeSH D030342.

Allele frequency attached by ClinVar (database versions not stated): gnomAD 0.00001; gnomAD exomes 0.00001; TOPMed 0.00002; ExAC 0.00003.
gnomAD v4.1: 15 of 1,613,996 alleles (0.00093%); highest among the groups gnomAD compares: East Asian, 0.027%; no homozygotes.

Submissions (2):

Ambry Genetics
Classification: Uncertain significance for Inborn genetic diseases. Last evaluated: 2023-02-15. Review status: criteria provided, single submitter. Criteria: Ambry Variant Classification Scheme 2023. Collection method: clinical testing. Allele origin: germline.

Labcorp Genetics (formerly Invitae), Labcorp
Classification: Uncertain significance. Last evaluated: 2022-01-06. Review status: criteria provided, single submitter. Criteria: Invitae Variant Classification Sherloc (09022015). Collection method: clinical testing. Allele origin: germline.
Comment: This sequence change replaces lysine, which is basic and polar, with glutamic acid, which is acidic and polar, at codon 1073 of the LIFR protein (p.Lys1073Glu). This variant is present in population databases (rs768761408, gnomAD 0.02%). This variant has not been reported in the literature in individuals affected with LIFR-related conditions. Algorithms developed to predict the effect of missense changes on protein structure and function (SIFT, PolyPhen-2, Align-GVGD) all suggest that this variant is likely to be tolerated. In summary, the available evidence is currently insufficient to determine the role of this variant in disease. Therefore, it has been classified as a Variant of Uncertain Significance.